The following is an entry in ClinVar:

ClinVar aggregate classification (germline): Uncertain significance (1 of 4 stars; one submission).

Conditions:
Inborn genetic diseases. Identifiers: MedGen C0950123, MeSH D030342.

Submission:

Ambry Genetics
Classification: Uncertain significance for Inborn genetic diseases. Last evaluated: 2025-05-17. Review status: criteria provided, single submitter. Criteria: Ambry Variant Classification Scheme 2023. Collection method: clinical testing. Allele origin: germline.
Comment: The p.T557A variant (also known as c.1669A>G), located in coding exon 13 of the FANCG gene, results from an A to G substitution at nucleotide position 1669. The threonine at codon 557 is replaced by alanine, an amino acid with similar properties. This amino acid position is conserved. In addition, this alteration is predicted to be tolerated by in silico analysis. Based on the available evidence, the clinical significance of this variant remains unclear.

NM_004629.2(FANCG):c.1669A>G (p.Thr557Ala)

Gene: FANCG (FA complementation group G; minus strand). Cytogenetic location: 9p13.3.
Variant type: single nucleotide variant.
Coding change: c.1669A>G on transcript NM_004629.2 (MANE Select); coding-DNA position 1669, A replaced by G.
Protein change: p.Thr557Ala; replaces threonine 557 with alanine.
Molecular consequence: missense variant.
Genome position (GRCh38, 1-based): chr9:35,074,462, T>C on the plus strand (A>G on the coding strand, the complement: FANCG is on the minus strand). VCF-style: chr9-35074462-T-C. GRCh37 (hg19) VCF-style: chr9-35074459-T-C.
Other names: short protein forms T557A.
Identifiers: ClinVar variation 4022524 (VCV004022524.1).